The following is an entry in ClinVar:

NM_001282531.3(ADNP):c.3241A>T (p.Thr1081Ser)

Gene: ADNP (activity dependent neuroprotector homeobox; minus strand). Cytogenetic location: 20q13.13.
Variant type: single nucleotide variant.
Coding change: c.3241A>T on transcript NM_001282531.3 (MANE Select); coding-DNA position 3241, A replaced by T.
Protein change: p.Thr1081Ser; replaces threonine 1081 with serine.
Molecular consequence: missense variant.
Genome position (GRCh38, 1-based): chr20:50,891,473, T>A on the plus strand (A>T on the coding strand, the complement: ADNP is on the minus strand). VCF-style: chr20-50891473-T-A. GRCh37 (hg19) VCF-style: chr20-49508010-T-A.
Other names: c.3241A>T, p.Thr1081Ser (NM_001282532.2, NM_001347511.2, NM_015339.5 and 1 more transcripts); short protein forms T1081S.
Identifiers: ClinVar variation 3693715 (VCV003693715.2).
Genomic context (GRCh38, chr20:50,891,473, plus strand): 5'-GTTGGCTGCTCAGTTTAACTCCGGCTAAGCTGCCATGCATGGGCTCAGCTACTCCATCAG[T>A]CATGTTGTCAAACTGTTCCCCATCCTCACTGTCAATTGTGCTATTCTGCCACTCAATCTG-3'
Protein context (NP_001269460.1, residues 1071-1091): SEDGEQFDNM[Thr1081Ser]DGVAEPMHGS

ClinVar aggregate classification (germline): Uncertain significance (1 of 4 stars; one submission).

gnomAD v4.1: 5 of 1,612,608 alleles (0.00031%); highest among the groups gnomAD compares: African/African-American, 0.0067%; no homozygotes.

Submission:

Labcorp Genetics (formerly Invitae), Labcorp
Classification: Uncertain significance. Last evaluated: 2024-03-13. Review status: criteria provided, single submitter. Criteria: Invitae Variant Classification Sherloc (09022015). Collection method: clinical testing. Allele origin: germline.
Comment: This sequence change replaces threonine, which is neutral and polar, with serine, which is neutral and polar, at codon 1081 of the ADNP protein (p.Thr1081Ser). This variant is present in population databases (rs767564900, gnomAD 0.003%). This variant has not been reported in the literature in individuals affected with ADNP-related conditions. An algorithm developed to predict the effect of missense changes on protein structure and function (PolyPhen-2) suggests that this variant is likely to be tolerated. In summary, the available evidence is currently insufficient to determine the role of this variant in disease. Therefore, it has been classified as a Variant of Uncertain Significance.